The following is an entry in ClinVar:

NM_001939.3(DRP2):c.2813G>A (p.Arg938His)

Gene: DRP2 (dystrophin related protein 2; plus strand). Cytogenetic location: Xq22.1.
Variant type: single nucleotide variant.
Coding change: c.2813G>A on transcript NM_001939.3 (MANE Select); coding-DNA position 2813, G replaced by A.
Protein change: p.Arg938His; replaces arginine 938 with histidine.
Molecular consequence: missense variant.
Genome position (GRCh38, 1-based): chrX:101,260,560, G>A. VCF-style: chrX-101260560-G-A. GRCh37 (hg19) VCF-style: chrX-100515549-G-A.
Other names: c.2579G>A, p.Arg860His (NM_001171184.2); short protein forms R860H, R938H.
Identifiers: ClinVar variation 2155362 (VCV002155362.4), dbSNP rs755247034, ClinGen allele CA10472543.

ClinVar aggregate classification (germline): Uncertain significance (1 of 4 stars; one submission).

Allele frequency attached by ClinVar (database versions not stated): gnomAD 0.00001; ExAC 0.00002; 1000 Genomes Project 30x 0.00021; 1000 Genomes Project 0.00026.
gnomAD v4.1: 6 of 1,209,522 alleles (0.0005%); highest among the groups gnomAD compares: East Asian, 0.0059%; no homozygotes.

Submission:

Labcorp Genetics (formerly Invitae), Labcorp
Classification: Uncertain significance. Last evaluated: 2022-09-14. Review status: criteria provided, single submitter. Criteria: Invitae Variant Classification Sherloc (09022015). Collection method: clinical testing. Allele origin: germline.
Comment: This sequence change replaces arginine, which is basic and polar, with histidine, which is basic and polar, at codon 938 of the DRP2 protein (p.Arg938His). This variant is present in population databases (rs755247034, gnomAD 0.02%). This variant has not been reported in the literature in individuals affected with DRP2-related conditions. Algorithms developed to predict the effect of missense changes on protein structure and function (SIFT, PolyPhen-2, Align-GVGD) all suggest that this variant is likely to be disruptive. In summary, the available evidence is currently insufficient to determine the role of this variant in disease. Therefore, it has been classified as a Variant of Uncertain Significance.